The following is an entry in ClinVar:

ClinVar aggregate classification (germline): Uncertain significance (1 of 4 stars; one submission).

Allele frequency attached by ClinVar (database versions not stated): gnomAD exomes below 0.00001; gnomAD 0.00001; TOPMed 0.00003.
gnomAD v4.1: 4 of 1,613,794 alleles (0.00025%); highest among the groups gnomAD compares: Admixed American, 0.0033%; no homozygotes.

Submission:

Labcorp Genetics (formerly Invitae), Labcorp
Classification: Uncertain significance. Last evaluated: 2022-08-30. Review status: criteria provided, single submitter. Criteria: Invitae Variant Classification Sherloc (09022015). Collection method: clinical testing. Allele origin: germline.
Comment: In summary, the available evidence is currently insufficient to determine the role of this variant in disease. Therefore, it has been classified as a Variant of Uncertain Significance. Algorithms developed to predict the effect of sequence changes on RNA splicing suggest that this variant may create or strengthen a splice site. Advanced modeling of protein sequence and biophysical properties (such as structural, functional, and spatial information, amino acid conservation, physicochemical variation, residue mobility, and thermodynamic stability) performed at Invitae indicates that this missense variant is expected to disrupt LBR protein function. This variant has not been reported in the literature in individuals affected with LBR-related conditions. This variant is not present in population databases (gnomAD no frequency). This sequence change replaces glycine, which is neutral and non-polar, with arginine, which is basic and polar, at codon 538 of the LBR protein (p.Gly538Arg).

NM_002296.4(LBR):c.1612G>A (p.Gly538Arg)

Gene: LBR (lamin B receptor; minus strand). Cytogenetic location: 1q42.12.
Variant type: single nucleotide variant.
Coding change: c.1612G>A on transcript NM_002296.4 (MANE Select); coding-DNA position 1612, G replaced by A.
Protein change: p.Gly538Arg; replaces glycine 538 with arginine.
Molecular consequence: missense variant.
Genome position (GRCh38, 1-based): chr1:225,404,479, C>T on the plus strand (G>A on the coding strand, the complement: LBR is on the minus strand). VCF-style: chr1-225404479-C-T. GRCh37 (hg19) VCF-style: chr1-225592181-C-T.
Other names: c.1612G>A, p.Gly538Arg (NM_194442.3); short protein forms G538R.
Identifiers: ClinVar variation 1938796 (VCV001938796.5), dbSNP rs2096087332, ClinGen allele CA344992944.